The following is an entry in ClinVar:

ClinVar aggregate classification (germline): Uncertain significance (1 of 4 stars; one submission).

Conditions:
Early-infantile DEE. Also called: Early infantile epileptic encephalopathy; Early infantile epileptic encephalopathy with suppression bursts; Ohtahara syndrome. Identifiers: Orphanet 1934, MedGen C0393706, MONDO:0800491.

Allele frequency attached by ClinVar (database versions not stated): TOPMed below 0.00001; gnomAD 0.00001.
gnomAD v4.1: 1 of 1,613,936 alleles (0.000062%); highest among the groups gnomAD compares: Non-Finnish European, 0.000085%; no homozygotes.

Submission:

Labcorp Genetics (formerly Invitae), Labcorp
Classification: Uncertain significance for Early-infantile DEE. Last evaluated: 2026-01-05. Review status: criteria provided, single submitter. Criteria: Invitae Variant Classification Sherloc (09022015). Collection method: clinical testing. Allele origin: germline.
Comment: This sequence change replaces isoleucine, which is neutral and non-polar, with methionine, which is neutral and non-polar, at codon 1416 of the SPTAN1 protein (p.Ile1416Met). This variant is not present in population databases (gnomAD no frequency). This variant has not been reported in the literature in individuals affected with SPTAN1-related conditions. ClinVar contains an entry for this variant (Variation ID: 2811366). Invitae Evidence Modeling of protein sequence and biophysical properties (such as structural, functional, and spatial information, amino acid conservation, physicochemical variation, residue mobility, and thermodynamic stability) has been performed for this missense variant. However, the output from this modeling did not meet the statistical confidence thresholds required to predict the impact of this variant on SPTAN1 protein function. In summary, the available evidence is currently insufficient to determine the role of this variant in disease. Therefore, it has been classified as a Variant of Uncertain Significance.

NM_001130438.3(SPTAN1):c.4248C>G (p.Ile1416Met)

Gene: SPTAN1 (spectrin alpha, non-erythrocytic 1; plus strand). Cytogenetic location: 9q34.11.
Variant type: single nucleotide variant.
Coding change: c.4248C>G on transcript NM_001130438.3 (MANE Select); coding-DNA position 4248, C replaced by G.
Protein change: p.Ile1416Met; replaces isoleucine 1416 with methionine.
Molecular consequence: missense variant.
Genome position (GRCh38, 1-based): chr9:128,607,953, C>G. VCF-style: chr9-128607953-C-G. GRCh37 (hg19) VCF-style: chr9-131370232-C-G.
Other names: c.4188C>G, p.Ile1396Met (NM_001195532.2, NM_001363765.2, NM_001375314.2); c.4248C>G, p.Ile1416Met (NM_001363759.2, NM_001375310.1, NM_001375311.2 and 2 more transcripts); c.4284C>G, p.Ile1428Met (NM_001375312.2, NM_001375318.1); short protein forms I1428M, I1396M, I1416M.
Identifiers: ClinVar variation 2811366 (VCV002811366.3), dbSNP rs1466187767, ClinGen allele CA375066559.